The following is an entry in ClinVar:

ClinVar aggregate classification (germline): Uncertain significance (1 of 4 stars; one submission).

Allele frequency attached by ClinVar (database versions not stated): TOPMed 0.00001.

Submission:

GeneDx
Classification: Uncertain significance. Last evaluated: 2025-11-26. Review status: criteria provided, single submitter. Criteria: GeneDx Variant Classification Process June 2021. Collection method: clinical testing. Allele origin: germline. Affected: yes.
Comment: Not observed at significant frequency in large population cohorts (gnomAD); In silico analysis supports that this missense variant does not alter protein structure/function; Has not been previously published as pathogenic or benign to our knowledge

NM_181303.2(NLGN3):c.226G>A (p.Ala76Thr)

Gene: NLGN3 (neuroligin 3; plus strand). Cytogenetic location: Xq13.1.
Variant type: single nucleotide variant.
Coding change: c.226G>A on transcript NM_181303.2 (MANE Select); coding-DNA position 226, G replaced by A.
Protein change: p.Ala76Thr; replaces alanine 76 with threonine.
Molecular consequence: missense variant. On other transcripts: intron variant (1).
Genome position (GRCh38, 1-based): chrX:71,147,975, G>A. VCF-style: chrX-71147975-G-A. GRCh37 (hg19) VCF-style: chrX-70367825-G-A.
Other names: c.226G>A, p.Ala76Thr (NM_001166660.2, NM_018977.4); c.-38-88G>A (NM_001321276.2); short protein forms A76T.
Identifiers: ClinVar variation 1806786 (VCV001806786.2), dbSNP rs2092376950, ClinGen allele CA413547568.